The following is an entry in ClinVar:

NM_000548.5(TSC2):c.4665_4666insT (p.Asn1556Ter)

Gene: TSC2 (TSC complex subunit 2; plus strand). Cytogenetic location: 16p13.3.
Variant type: Insertion.
Coding change: c.4665_4666insT on transcript NM_000548.5 (MANE Select); coding-DNA positions 4665 to 4666, T inserted.
Protein change: p.Asn1556Ter; replaces asparagine 1556 with a stop codon.
Molecular consequence: nonsense.
Genome position: GRCh38 VCF-style: chr16-2086195-C-CT. GRCh37 (hg19) VCF-style: chr16-2136196-C-CT.
Other names: c.4464_4465insT, p.Asn1489Ter (NM_001077183.3); c.4596_4597insT, p.Asn1533Ter (NM_001114382.3); c.4356_4357insT, p.Asn1453Ter (NM_001318827.2); c.4320_4321insT, p.Asn1441Ter (NM_001318829.2); c.3933_3934insT, p.Asn1312Ter (NM_001318831.2); c.4497_4498insT, p.Asn1500Ter (NM_001318832.2); c.4467_4468insT, p.Asn1490Ter (NM_001363528.2); c.4533_4534insT, p.Asn1512Ter (NM_001370404.1); and 1 more; short protein forms N1490*, N1500*, N1512*, N1312*, N1453*, N1489*, N1513*, N1441*.
Identifiers: ClinVar variation 1390327 (VCV001390327.6), dbSNP rs2151569238, ClinGen allele CA2573151936.

ClinVar aggregate classification (germline): Pathogenic (1 of 4 stars; one submission).

Conditions:
Tuberous sclerosis 2 (TSC2). Identifiers: Orphanet 805, MedGen C1860707, MONDO:0013199, OMIM 613254.

Submission:

Labcorp Genetics (formerly Invitae), Labcorp
Classification: Pathogenic for Tuberous sclerosis 2. Last evaluated: 2021-09-24. Review status: criteria provided, single submitter. Criteria: Invitae Variant Classification Sherloc (09022015). Collection method: clinical testing. Allele origin: germline.
Comment: This sequence change creates a premature translational stop signal (p.Asn1556*) in the TSC2 gene. It is expected to result in an absent or disrupted protein product. Loss-of-function variants in TSC2 are known to be pathogenic (PMID: 10205261, 17304050). This variant is not present in population databases (ExAC no frequency). This variant has not been reported in the literature in individuals affected with TSC2-related conditions. For these reasons, this variant has been classified as Pathogenic.

Literature cited by the submitters: PubMed 10205261; PubMed 17304050.